The following is an entry in ClinVar:

ClinVar aggregate classification (germline): Uncertain significance (1 of 4 stars; one submission).

Submission:

GeneDx
Classification: Uncertain significance. Last evaluated: 2024-05-02. Review status: criteria provided, single submitter. Criteria: GeneDx Variant Classification Process June 2021. Collection method: clinical testing. Allele origin: germline. Affected: yes.
Comment: Not observed at significant frequency in large population cohorts (gnomAD); In silico analysis supports that this missense variant has a deleterious effect on protein structure/function; Has not been previously published as pathogenic or benign to our knowledge

NM_023110.3(FGFR1):c.287C>T (p.Ser96Phe)

Gene: FGFR1 (fibroblast growth factor receptor 1; minus strand). Cytogenetic location: 8p11.23.
Variant type: single nucleotide variant.
Coding change: c.287C>T on transcript NM_023110.3 (MANE Select); coding-DNA position 287, C replaced by T.
Protein change: p.Ser96Phe; replaces serine 96 with phenylalanine.
Molecular consequence: missense variant. On other transcripts: intron variant (5).
Genome position (GRCh38, 1-based): chr8:38,429,753, G>A on the plus strand (C>T on the coding strand, the complement: FGFR1 is on the minus strand). VCF-style: chr8-38429753-G-A. GRCh37 (hg19) VCF-style: chr8-38287271-G-A.
Other names: c.287C>T, p.Ser96Phe (NM_001174063.2, NM_001174065.2, NM_001354367.2 and 3 more transcripts); c.263C>T, p.Ser88Phe (NM_001174064.2); c.386C>T, p.Ser129Phe (NM_001174067.2); c.92-1318C>T (NM_001354368.2, NM_001354370.2, NM_023106.3 and 2 more transcripts); short protein forms S129F, S88F, S96F.
Identifiers: ClinVar variation 3373003 (VCV003373003.1).